The following is an entry in ClinVar:

ClinVar aggregate classification (germline): Uncertain significance. Review status: criteria provided, multiple submitters, no conflicts (2 of 4 stars). 2 submissions from 2 submitters: Uncertain significance (2). Last evaluated 2025-11-20.

Allele frequency attached by ClinVar (database versions not stated): TOPMed 0.00002.

Submissions (2):

GeneDx
Classification: Uncertain significance. Last evaluated: 2025-11-20. Review status: criteria provided, single submitter. Criteria: GeneDx Variant Classification Process June 2021. Collection method: clinical testing. Allele origin: germline. Affected: yes.
Comment: Not observed at significant frequency in large population cohorts (gnomAD); In silico analysis supports that this missense variant has a deleterious effect on protein structure/function; Has not been previously published as pathogenic or benign to our knowledge

Labcorp Genetics (formerly Invitae), Labcorp
Classification: Uncertain significance. Last evaluated: 2022-09-22. Review status: criteria provided, single submitter. Criteria: Invitae Variant Classification Sherloc (09022015). Collection method: clinical testing. Allele origin: germline.
Comment: In summary, the available evidence is currently insufficient to determine the role of this variant in disease. Therefore, it has been classified as a Variant of Uncertain Significance. Advanced modeling of protein sequence and biophysical properties (such as structural, functional, and spatial information, amino acid conservation, physicochemical variation, residue mobility, and thermodynamic stability) performed at Invitae indicates that this missense variant is not expected to disrupt BRWD3 protein function. This variant has not been reported in the literature in individuals affected with BRWD3-related conditions. This variant is not present in population databases (gnomAD no frequency). This sequence change replaces proline, which is neutral and non-polar, with serine, which is neutral and polar, at codon 1133 of the BRWD3 protein (p.Pro1133Ser).

NM_153252.5(BRWD3):c.3397C>T (p.Pro1133Ser)

Gene: BRWD3 (bromodomain and WD repeat domain containing 3; minus strand). Cytogenetic location: Xq21.1.
Variant type: single nucleotide variant.
Coding change: c.3397C>T on transcript NM_153252.5 (MANE Select); coding-DNA position 3397, C replaced by T.
Protein change: p.Pro1133Ser; replaces proline 1133 with serine.
Molecular consequence: missense variant.
Genome position (GRCh38, 1-based): chrX:80,691,907, G>A on the plus strand (C>T on the coding strand, the complement: BRWD3 is on the minus strand). VCF-style: chrX-80691907-G-A. GRCh37 (hg19) VCF-style: chrX-79947406-G-A.
Other names: short protein forms P1133S.
Identifiers: ClinVar variation 1313334 (VCV001313334.8), dbSNP rs948929896, ClinGen allele CA331097263.
Genomic context (GRCh38, chrX:80,691,907, plus strand): 5'-CCTGAATAACCCGTTCACATTCTTCGTCTCTGGAATGAGCCCCCCACTCTCCTTCCTGGG[G>A]TTTGTATAGCAAAGCAGTCAATTCTTCCTGGGAGACAGGAACACCAGCACCAACTTCATC-3'
Protein context (NP_694984.5, residues 1123-1143): QEELTALLYK[Pro1133Ser]QEGEWGAHSR